The following is an entry in ClinVar:

ClinVar aggregate classification (germline): Conflicting classifications of pathogenicity. Review status: criteria provided, conflicting classifications (1 of 4 stars). 2 submissions from 2 submitters: Uncertain significance (1); Likely benign (1). Last evaluated 2025-05-11.

Allele frequency attached by ClinVar (database versions not stated): gnomAD exomes below 0.00001.
gnomAD v4.1: 1 of 1,420,728 alleles (0.00007%); highest among the groups gnomAD compares: Non-Finnish European, 0.000092%; no homozygotes.

Submissions (2):

Labcorp Genetics (formerly Invitae), Labcorp
Classification: Uncertain significance. Last evaluated: 2025-05-11. Review status: criteria provided, single submitter. Criteria: Invitae Variant Classification Sherloc (09022015). Collection method: clinical testing. Allele origin: germline.
Comment: This sequence change replaces glycine, which is neutral and non-polar, with tryptophan, which is neutral and slightly polar, at codon 1159 of the GRIN2D protein (p.Gly1159Trp). This variant is not present in population databases (gnomAD no frequency). This variant has not been reported in the literature in individuals affected with GRIN2D-related conditions. ClinVar contains an entry for this variant (Variation ID: 1326566). Invitae Evidence Modeling of protein sequence and biophysical properties (such as structural, functional, and spatial information, amino acid conservation, physicochemical variation, residue mobility, and thermodynamic stability) indicates that this missense variant is not expected to disrupt GRIN2D protein function with a negative predictive value of 95%. In summary, the available evidence is currently insufficient to determine the role of this variant in disease. Therefore, it has been classified as a Variant of Uncertain Significance.

GeneDx
Classification: Likely benign. Last evaluated: 2022-09-20. Review status: criteria provided, single submitter. Criteria: GeneDx Variant Classification Process June 2021. Collection method: clinical testing. Allele origin: germline. Affected: yes.
Comment: Not observed at significant frequency in large population cohorts (gnomAD); In silico analysis supports that this missense variant does not alter protein structure/function; Has not been previously published as pathogenic or benign to our knowledge

NM_000836.4(GRIN2D):c.3475G>T (p.Gly1159Trp)

Gene: GRIN2D (glutamate ionotropic receptor NMDA type subunit 2D; plus strand). Cytogenetic location: 19q13.33.
Variant type: single nucleotide variant.
Coding change: c.3475G>T on transcript NM_000836.4 (MANE Select); coding-DNA position 3475, G replaced by T.
Protein change: p.Gly1159Trp; replaces glycine 1159 with tryptophan.
Molecular consequence: missense variant.
Genome position (GRCh38, 1-based): chr19:48,443,401, G>T. VCF-style: chr19-48443401-G-T. GRCh37 (hg19) VCF-style: chr19-48946658-G-T.
Other names: short protein forms G1159W.
Identifiers: ClinVar variation 1326566 (VCV001326566.4), dbSNP rs1971332505, ClinGen allele CA406676419.
Genomic context (GRCh38, chr19:48,443,401, plus strand): 5'-TACCCGTATGCCGAGCGCCTCGGGCCGCCGCCCGGCCGCTACTGGTCGGTCGACAAGCTC[G>T]GGGGCTGGCGCGCCGGGAGCTGGGACTACCTGCCCCCGCGCAGCGGTCCGGCCGCCTGGC-3'
Protein context (NP_000827.2, residues 1149-1169): PGRYWSVDKL[Gly1159Trp]GWRAGSWDYL